The following is an entry in ClinVar:

ClinVar aggregate classification (germline): Uncertain significance (1 of 4 stars; one submission).

Conditions:
Hereditary cancer-predisposing syndrome. Also called: Tumor predisposition; Neoplastic Syndromes, Hereditary; Hereditary Cancer Syndrome; Hereditary neoplastic syndrome. Identifiers: Orphanet 140162, MedGen C0027672, MeSH D009386, MONDO:0015356.

Submission:

Ambry Genetics
Classification: Uncertain significance for Hereditary cancer-predisposing syndrome. Last evaluated: 2021-12-27. Review status: criteria provided, single submitter. Criteria: Ambry Variant Classification Scheme 2023. Collection method: clinical testing. Allele origin: germline.
Comment: The p.N106T variant (also known as c.317A>C), located in coding exon 5 of the BRCA1 gene, results from an A to C substitution at nucleotide position 317. The asparagine at codon 106 is replaced by threonine, an amino acid with similar properties. This amino acid position is not well conserved in available vertebrate species. In addition, the in silico prediction for this alteration is inconclusive. Since supporting evidence is limited at this time, the clinical significance of this alteration remains unclear.

NM_007294.4(BRCA1):c.317A>C (p.Asn106Thr)

Gene: BRCA1 (BRCA1 DNA repair associated; minus strand). Cytogenetic location: 17q21.31.
Variant type: single nucleotide variant.
Coding change: c.317A>C on transcript NM_007294.4 (MANE Select); coding-DNA position 317, A replaced by C.
Protein change: p.Asn106Thr; replaces asparagine 106 with threonine.
Molecular consequence: missense variant. On other transcripts: non-coding transcript variant (1).
Genome position (GRCh38, 1-based): chr17:43,104,246, T>G on the plus strand (A>C on the coding strand, the complement: BRCA1 is on the minus strand). VCF-style: chr17-43104246-T-G. GRCh37 (hg19) VCF-style: chr17-41256263-T-G.
Other names: c.107A>C, p.Asn36Thr (NM_001407571.1, NM_001407853.1, NM_001407879.1 and 58 more transcripts); c.317A>C, p.Asn106Thr (NM_001407581.1, NM_001407582.1, NM_001407583.1 and 165 more transcripts); c.308A>C, p.Asn103Thr (NM_001407646.1, NM_001407647.1, NM_001408408.1); c.239A>C, p.Asn80Thr (NM_001407653.1, NM_001407654.1, NM_001407655.1 and 21 more transcripts); c.176A>C, p.Asn59Thr (NM_001407692.1, NM_001407694.1, NM_001407695.1 and 99 more transcripts); c.-65A>C (NM_001408510.1, NM_001408512.1, NM_001407959.1 and 4 more transcripts); c.185A>C, p.Asn62Thr (NM_001408451.1); short protein forms N103T, N36T, N106T, N62T, N59T, N80T.
Identifiers: ClinVar variation 1728507 (VCV001728507.2), dbSNP rs2154550036, ClinGen allele CA10601516.